The following is an entry in ClinVar:

NM_005157.6(ABL1):c.2611G>C (p.Glu871Gln)

Gene: ABL1 (ABL proto-oncogene 1, non-receptor tyrosine kinase; plus strand). Cytogenetic location: 9q34.12.
Variant type: single nucleotide variant.
Coding change: c.2611G>C on transcript NM_005157.6 (MANE Select); coding-DNA position 2611, G replaced by C.
Protein change: p.Glu871Gln; replaces glutamic acid 871 with glutamine.
Molecular consequence: missense variant.
Genome position (GRCh38, 1-based): chr9:130,884,901, G>C. VCF-style: chr9-130884901-G-C. GRCh37 (hg19) VCF-style: chr9-133760288-G-C.
Other names: c.2668G>C, p.Glu890Gln (NM_007313.3); short protein forms E890Q, E871Q.
Identifiers: ClinVar variation 2830590 (VCV002830590.3), dbSNP rs756787093, ClinGen allele CA375257644.

ClinVar aggregate classification (germline): Uncertain significance (1 of 4 stars; one submission).

gnomAD v4.1: 1 of 1,610,144 alleles (0.000062%); highest among the groups gnomAD compares: Non-Finnish European, 0.000085%; no homozygotes.

Submission:

Labcorp Genetics (formerly Invitae), Labcorp
Classification: Uncertain significance. Last evaluated: 2023-01-20. Review status: criteria provided, single submitter. Criteria: Invitae Variant Classification Sherloc (09022015). Collection method: clinical testing. Allele origin: germline.
Comment: This sequence change replaces glutamic acid, which is acidic and polar, with glutamine, which is neutral and polar, at codon 890 of the ABL1 protein (p.Glu890Gln). This variant is not present in population databases (gnomAD no frequency). This variant has not been reported in the literature in individuals affected with ABL1-related conditions. Advanced modeling of protein sequence and biophysical properties (such as structural, functional, and spatial information, amino acid conservation, physicochemical variation, residue mobility, and thermodynamic stability) performed at Invitae indicates that this missense variant is not expected to disrupt ABL1 protein function. In summary, the available evidence is currently insufficient to determine the role of this variant in disease. Therefore, it has been classified as a Variant of Uncertain Significance.